The following is an entry in ClinVar:

ClinVar aggregate classification (germline): Benign/Likely benign. Review status: criteria provided, multiple submitters, no conflicts (2 of 4 stars). 3 submissions from 3 submitters: Benign (1); Likely benign (1). 1 of the submissions does not count toward it. Last evaluated 2026-02-01.

Conditions:
MYO1E-related disorder. Also called: MYO1E-related condition.

Allele frequency attached by ClinVar (database versions not stated): ESP Exome Variant Server 0.00008; gnomAD 0.00013 and 0.00020; TOPMed 0.00024; gnomAD exomes 0.00025 and 0.00046; ExAC 0.00051; 1000 Genomes Project 30x 0.00062; 1000 Genomes Project 0.00080.
gnomAD v4.1: 426 of 1,598,138 alleles (0.027%); highest among the groups gnomAD compares: East Asian, 0.81%; 2 homozygotes.

Submissions (3):

Labcorp Genetics (formerly Invitae), Labcorp
Classification: Benign. Last evaluated: 2026-02-01. Review status: criteria provided, single submitter. Criteria: Invitae Variant Classification Sherloc (09022015). Collection method: clinical testing. Allele origin: germline.

Blueprint Genetics
Classification: Likely benign. Last evaluated: 2024-11-20. Review status: criteria provided, single submitter. Criteria: ACMG Guidelines, 2015. Collection method: clinical testing. Allele origin: germline.

PreventionGenetics, part of Exact Sciences
Classification: Likely benign for MYO1E-related condition. Last evaluated: 2019-05-28. Review status: no assertion criteria provided. Collection method: clinical testing. Allele origin: germline. Not counted in ClinVar's aggregate classification.
Comment: This variant is classified as likely benign based on ACMG/AMP sequence variant interpretation guidelines (Richards et al. 2015 PMID: 25741868, with internal and published modifications).

NM_004998.4(MYO1E):c.321C>T (p.Cys107=)

Gene: MYO1E (myosin IE; minus strand). Cytogenetic location: 15q22.2.
Variant type: single nucleotide variant.
Coding change: c.321C>T on transcript NM_004998.4 (MANE Select); coding-DNA position 321, C replaced by T.
Protein change: p.Cys107=; no amino-acid change (cysteine 107 retained).
Molecular consequence: synonymous variant.
Genome position (GRCh38, 1-based): chr15:59,256,295, G>A on the plus strand (C>T on the coding strand, the complement: MYO1E is on the minus strand). VCF-style: chr15-59256295-G-A. GRCh37 (hg19) VCF-style: chr15-59548494-G-A.
Other names: c.321C>T (NM_004998.3).
Identifiers: ClinVar variation 1164448 (VCV001164448.12), dbSNP rs117371632, ClinGen allele CA7590400.